The following is an entry in ClinVar:

NM_000540.3(RYR1):c.9830T>A (p.Leu3277Gln)

Gene: RYR1 (ryanodine receptor 1; plus strand). Cytogenetic location: 19q13.2.
Variant type: single nucleotide variant.
Coding change: c.9830T>A on transcript NM_000540.3 (MANE Select); coding-DNA position 9830, T replaced by A.
Protein change: p.Leu3277Gln; replaces leucine 3277 with glutamine.
Molecular consequence: missense variant.
Genome position (GRCh38, 1-based): chr19:38,517,503, T>A. VCF-style: chr19-38517503-T-A. GRCh37 (hg19) VCF-style: chr19-39008143-T-A.
Other names: c.9830T>A, p.Leu3277Gln (NM_001042723.2); short protein forms L3277Q.
Identifiers: ClinVar variation 3073475 (VCV003073475.1), dbSNP rs1971025937, ClinGen allele CA405692217.

ClinVar aggregate classification (germline): Uncertain significance (1 of 4 stars; one submission).

Conditions:
Malignant hyperthermia, susceptibility to, 1 (MHS1). Also called: Anesthesia related hyperthermia; Malignant hyperpyrexia; Fulminating hyperpyrexia; Pharmacogenic myopathy; RYR1-Related Malignant Hyperthermia Susceptibility; Malignant hyperthermia suceptibility 1. Identifiers: Orphanet 423, MedGen C2930980, MONDO:0007783, OMIM 145600.

Allele frequency attached by ClinVar (database versions not stated): TOPMed below 0.00001.

Submission:

All of Us Research Program, National Institutes of Health
Classification: Uncertain significance for Malignant hyperthermia, susceptibility to, 1. Last evaluated: 2023-09-17. Review status: criteria provided, single submitter. Criteria: ACMG Guidelines, 2015. Collection method: clinical testing. Allele origin: germline. Inheritance: Autosomal dominant inheritance. Observed: 1 variant allele, 1 heterozygote.
Comment: This missense variant replaces leucine with glutamine at codon 3277 of the RYR1 protein. Computational prediction suggests that this variant may have deleterious impact on protein structure and function (internally defined REVEL score threshold >= 0.7, PMID: 27666373). To our knowledge, functional studies have not been reported for this variant. This variant has not been reported in individuals affected with RYR1-related disorders in the literature. This variant has not been identified in the general population by the Genome Aggregation Database (gnomAD). The available evidence is insufficient to determine the role of this variant in disease conclusively. Therefore, this variant is classified as a Variant of Uncertain Significance.

This study involves interpretation of variants in research participants for the purpose of population health screening. Participant phenotype was not available at the time of variant classification. Additional details can be found in publication PMID: 35346344, PMCID: PMC8962531